The following is an entry in ClinVar:

ClinVar aggregate classification (germline): Conflicting classifications of pathogenicity. Review status: criteria provided, conflicting classifications (1 of 4 stars). 2 submissions from 1 submitter: Uncertain significance (1); Benign (1). Last evaluated 2018-01-13.

Conditions:
Blau syndrome (BLAUS). Also called: ARTHROCUTANEOUVEAL GRANULOMATOSIS; GRANULOMATOSIS, FAMILIAL JUVENILE SYSTEMIC; GRANULOMATOSIS, FAMILIAL, BLAU TYPE; GRANULOMATOUS INFLAMMATORY ARTHRITIS, DERMATITIS, AND UVEITIS, FAMILIAL; JABS SYNDROME. Identifiers: Orphanet 90340, MedGen C5201146, MONDO:0008523, OMIM 186580.
Inflammatory bowel disease 1 (IBD1). Also called: INFLAMMATORY BOWEL DISEASE (CROHN DISEASE) 1; Inflammatory bowel disease 1, Crohn disease. Identifiers: MedGen CN260071, MONDO:0009960, OMIM 266600.

Allele frequency attached by ClinVar (database versions not stated): gnomAD below 0.00001 and 0.00004; TOPMed 0.00001; 1000 Genomes Project 0.00100; 1000 Genomes Project 30x 0.00109.
gnomAD v4.1: 30 of 640,200 alleles (0.0047%); highest among the groups gnomAD compares: South Asian, 0.047%; 1 homozygote.

Submissions (2):

Illumina Laboratory Services, Illumina
Classification: Uncertain significance for Inflammatory bowel disease 1. Last evaluated: 2018-01-13. Review status: criteria provided, single submitter. Criteria: ICSL Variant Classification Criteria 13 December 2019. Collection method: clinical testing. Allele origin: germline.

Illumina Laboratory Services, Illumina
Classification: Benign for Blau syndrome. Last evaluated: 2018-01-13. Review status: criteria provided, single submitter. Criteria: ICSL Variant Classification Criteria 13 December 2019. Collection method: clinical testing. Allele origin: germline.
Comment: This variant was observed in the ICSL laboratory as part of a predisposition screen in an ostensibly healthy population. It had not been previously curated by ICSL or reported in the Human Gene Mutation Database (HGMD: prior to June 1st, 2018), and was therefore a candidate for classification through an automated scoring system. Utilizing variant allele frequency, disease prevalence and penetrance estimates, and inheritance mode, an automated score was calculated to assess if this variant is too frequent to cause the disease. Based on the score and internal cut-off values, a variant classified as benign is not then subjected to further curation. The score for this variant resulted in a classification of benign for this disease.

NM_001370466.1(NOD2):c.*183C>T

Genes: NOD2 (nucleotide binding oligomerization domain containing 2; plus strand), CYLD-AS1 (CYLD antisense RNA 1; minus strand). Cytogenetic location: 16q12.1.
Variant type: single nucleotide variant.
Coding change: c.*183C>T on transcript NM_001370466.1 (MANE Select); 183 bases downstream of the stop codon, C replaced by T.
Molecular consequence: 3 prime UTR variant. On other transcripts: non-coding transcript variant (1).
Genome position (GRCh38, 1-based): chr16:50,732,002, C>T. VCF-style: chr16-50732002-C-T. GRCh37 (hg19) VCF-style: chr16-50765913-C-T.
Other names: c.*183C>T (NM_001293557.2, NM_022162.3).
Identifiers: ClinVar variation 885390 (VCV000885390.6), dbSNP rs547264433, ClinGen allele CA281285390.